The following is an entry in ClinVar:

ClinVar aggregate classification (germline): Uncertain significance. Review status: criteria provided, multiple submitters, no conflicts (2 of 4 stars). 2 submissions from 2 submitters: Uncertain significance (2). Last evaluated 2024-07-30.

Conditions:
Hereditary cancer-predisposing syndrome. Also called: Neoplastic Syndromes, Hereditary; Tumor predisposition; Hereditary neoplastic syndrome; Hereditary Cancer Syndrome. Identifiers: Orphanet 140162, MedGen C0027672, MeSH D009386, MONDO:0015356.
Familial adenomatous polyposis 1 (FAP1). Also called: POLYPOSIS, ADENOMATOUS INTESTINAL; FAMILIAL ADENOMATOUS POLYPOSIS 1, ATTENUATED. Identifiers: MedGen C2713442, MONDO:0021056, OMIM 175100. Disease mechanism: loss of function.

Submissions (2):

Labcorp Genetics (formerly Invitae), Labcorp
Classification: Uncertain significance for Familial adenomatous polyposis 1. Last evaluated: 2024-07-30. Review status: criteria provided, single submitter. Criteria: Invitae Variant Classification Sherloc (09022015). Collection method: clinical testing. Allele origin: germline.
Comment: This sequence change replaces histidine, which is basic and polar, with asparagine, which is neutral and polar, at codon 298 of the APC protein (p.His298Asn). This variant is not present in population databases (gnomAD no frequency). This variant has not been reported in the literature in individuals affected with APC-related conditions. Advanced modeling of protein sequence and biophysical properties (such as structural, functional, and spatial information, amino acid conservation, physicochemical variation, residue mobility, and thermodynamic stability) performed at Invitae indicates that this missense variant is not expected to disrupt APC protein function with a negative predictive value of 95%. In summary, the available evidence is currently insufficient to determine the role of this variant in disease. Therefore, it has been classified as a Variant of Uncertain Significance.

Ambry Genetics
Classification: Uncertain significance for Hereditary cancer-predisposing syndrome. Last evaluated: 2024-01-19. Review status: criteria provided, single submitter. Criteria: Ambry Variant Classification Scheme 2023. Collection method: clinical testing. Allele origin: germline.

NM_000038.6(APC):c.892C>A (p.His298Asn)

Gene: APC (APC regulator of Wnt signaling pathway; plus strand). Cytogenetic location: 5q22.2.
Variant type: single nucleotide variant.
Coding change: c.892C>A on transcript NM_000038.6 (MANE Select); coding-DNA position 892, C replaced by A.
Protein change: p.His298Asn; replaces histidine 298 with asparagine.
Molecular consequence: missense variant. On other transcripts: non-coding transcript variant (2).
Genome position (GRCh38, 1-based): chr5:112,815,552, C>A. VCF-style: chr5-112815552-C-A. GRCh37 (hg19) VCF-style: chr5-112151249-C-A.
Other names: c.43C>A, p.His15Asn (NM_001354906.2, NM_001407470.1, NM_001407471.1 and 1 more transcripts); c.922C>A, p.His308Asn (NM_001407446.1, NM_001354897.2, NM_001354902.2); c.892C>A, p.His298Asn (NM_001407447.1, NM_001407448.1, NM_001407449.1 and 12 more transcripts); c.838C>A, p.His280Asn (NM_001127511.3); c.817C>A, p.His273Asn (NM_001354898.2, NM_001354904.2, NM_001407451.1); c.808C>A, p.His270Asn (NM_001354899.2, NM_001407452.1, NM_001407467.1 and 1 more transcripts); c.715C>A, p.His239Asn (NM_001354900.2, NM_001354901.2, NM_001354905.2 and 1 more transcripts); short protein forms H270N, H280N, H298N, H273N, H308N, H15N, H239N.
Identifiers: ClinVar variation 3127719 (VCV003127719.3), dbSNP rs1561535522, ClinGen allele CA16023267.